The following is an entry in ClinVar:

ClinVar aggregate classification (germline): Uncertain significance (1 of 4 stars; one submission).

Allele frequency attached by ClinVar (database versions not stated): gnomAD exomes 0.00001.
gnomAD v4.1: 3 of 1,609,916 alleles (0.00019%); highest among the groups gnomAD compares: South Asian, 0.0033%; no homozygotes.

Submission:

Labcorp Genetics (formerly Invitae), Labcorp
Classification: Uncertain significance. Last evaluated: 2025-08-11. Review status: criteria provided, single submitter. Criteria: Invitae Variant Classification Sherloc (09022015). Collection method: clinical testing. Allele origin: germline.
Comment: This sequence change replaces glycine, which is neutral and non-polar, with alanine, which is neutral and non-polar, at codon 688 of the COL11A1 protein (p.Gly688Ala). This variant is not present in population databases (gnomAD no frequency). This variant has not been reported in the literature in individuals affected with COL11A1-related conditions. ClinVar contains an entry for this variant (Variation ID: 2697354). Invitae Evidence Modeling of protein sequence and biophysical properties (such as structural, functional, and spatial information, amino acid conservation, physicochemical variation, residue mobility, and thermodynamic stability) indicates that this missense variant is expected to disrupt COL11A1 protein function with a positive predictive value of 80%. In summary, the available evidence is currently insufficient to determine the role of this variant in disease. Therefore, it has been classified as a Variant of Uncertain Significance.

NM_001854.4(COL11A1):c.2063G>C (p.Gly688Ala)

Gene: COL11A1 (collagen type XI alpha 1 chain; minus strand). Cytogenetic location: 1p21.1.
Variant type: single nucleotide variant.
Coding change: c.2063G>C on transcript NM_001854.4 (MANE Select); coding-DNA position 2063, G replaced by C.
Protein change: p.Gly688Ala; replaces glycine 688 with alanine.
Molecular consequence: missense variant. On other transcripts: non-coding transcript variant (1).
Genome position (GRCh38, 1-based): chr1:103,002,462, C>G on the plus strand (G>C on the coding strand, the complement: COL11A1 is on the minus strand). VCF-style: chr1-103002462-C-G. GRCh37 (hg19) VCF-style: chr1-103468018-C-G.
Other names: c.1715G>C, p.Gly572Ala (NM_001168249.1, NM_080630.4); c.1946G>C, p.Gly649Ala (NM_001190709.2); c.2099G>C, p.Gly700Ala (NM_080629.3); short protein forms G572A, G688A, G700A, G649A.
Identifiers: ClinVar variation 2697354 (VCV002697354.3), dbSNP rs2525358226, ClinGen allele CA341170835.